The following is an entry in ClinVar:

NM_005751.5(AKAP9):c.6501T>G (p.Phe2167Leu)

Gene: AKAP9 (A-kinase anchoring protein 9; plus strand). Cytogenetic location: 7q21.2.
Variant type: single nucleotide variant.
Coding change: c.6501T>G on transcript NM_005751.5 (MANE Select); coding-DNA position 6501, T replaced by G.
Protein change: p.Phe2167Leu; replaces phenylalanine 2167 with leucine.
Molecular consequence: missense variant. On other transcripts: intron variant (1).
Genome position (GRCh38, 1-based): chr7:92,070,200, T>G. VCF-style: chr7-92070200-T-G. GRCh37 (hg19) VCF-style: chr7-91699514-T-G.
Other names: c.1146T>G, p.Phe382Leu (NM_001379277.1); c.6483+18T>G (NM_147185.3); short protein forms F2167L, F382L.
Identifiers: ClinVar variation 4265115 (VCV004265115.1).
Genomic context (GRCh38, chr7:92,070,200, plus strand): 5'-GAAACTGGAGTTCAGAGTAAGAGAACTGGAGCAGGCGCTTCTTGTGAGTGCAGATACTTT[T>G]CAAAAGGTGTGGCATTTTATTTGGGCTAACTTAATAAGTGTTTTAATGAAGAATACTCTT-3'
Protein context (NP_005742.4, residues 2157-2177): EQALLVSADT[Phe2167Leu]QKVEDRKHFG

ClinVar aggregate classification (germline): Uncertain significance (1 of 4 stars; one submission).

Conditions:
Cardiovascular phenotype. Identifiers: MedGen CN230736.

gnomAD v4.1: 12 of 1,613,932 alleles (0.00074%); highest among the groups gnomAD compares: Non-Finnish European, 0.001%; no homozygotes.

Submission:

Ambry Genetics
Classification: Uncertain significance for Cardiovascular phenotype. Last evaluated: 2025-07-13. Review status: criteria provided, single submitter. Criteria: Ambry Variant Classification Scheme 2023. Collection method: clinical testing. Allele origin: germline.
Comment: The p.F2167L variant (also known as c.6501T>G), located in coding exon 27 of the AKAP9 gene, results from a T to G substitution at nucleotide position 6501. The phenylalanine at codon 2167 is replaced by leucine, an amino acid with highly similar properties. This amino acid position is conserved. In addition, this alteration is predicted to be tolerated by in silico analysis. Based on the available evidence, the clinical significance of this variant remains unclear.